The following is an entry in ClinVar:

NM_005245.4(FAT1):c.1597G>T (p.Val533Phe)

Gene: FAT1 (FAT atypical cadherin 1; minus strand). Cytogenetic location: 4q35.2.
Variant type: single nucleotide variant.
Coding change: c.1597G>T on transcript NM_005245.4 (MANE Select); coding-DNA position 1597, G replaced by T.
Protein change: p.Val533Phe; replaces valine 533 with phenylalanine.
Molecular consequence: missense variant.
Genome position (GRCh38, 1-based): chr4:186,708,231, C>A on the plus strand (G>T on the coding strand, the complement: FAT1 is on the minus strand). VCF-style: chr4-186708231-C-A. GRCh37 (hg19) VCF-style: chr4-187629385-C-A.
Other names: c.1597G>T, p.Val533Phe (NM_001440455.1, NM_001440456.1, NM_001440457.1); short protein forms V533F.
Identifiers: ClinVar variation 4701601 (VCV004701601.1).

ClinVar aggregate classification (germline): Uncertain significance (1 of 4 stars; one submission).

Submission:

Labcorp Genetics (formerly Invitae), Labcorp
Classification: Uncertain significance. Last evaluated: 2025-10-07. Review status: criteria provided, single submitter. Criteria: Invitae Variant Classification Sherloc (09022015). Collection method: clinical testing. Allele origin: germline.
Comment: This sequence change replaces valine, which is neutral and non-polar, with phenylalanine, which is neutral and non-polar, at codon 533 of the FAT1 protein (p.Val533Phe). This variant is not present in population databases (gnomAD no frequency). This variant has not been reported in the literature in individuals affected with FAT1-related conditions. An algorithm developed to predict the effect of missense changes on protein structure and function (PolyPhen-2) suggests that this variant is likely to be disruptive. In summary, the available evidence is currently insufficient to determine the role of this variant in disease. Therefore, it has been classified as a Variant of Uncertain Significance.